The following is an entry in ClinVar:

ClinVar aggregate classification (germline): Uncertain significance (1 of 4 stars; one submission).

Allele frequency attached by ClinVar (database versions not stated): gnomAD 0.00001; gnomAD exomes 0.00001; TOPMed 0.00001.
gnomAD v4.1: 9 of 1,204,479 alleles (0.00075%); highest among the groups gnomAD compares: Non-Finnish European, 0.0009%; no homozygotes.

Submission:

Labcorp Genetics (formerly Invitae), Labcorp
Classification: Uncertain significance. Last evaluated: 2022-08-24. Review status: criteria provided, single submitter. Criteria: Invitae Variant Classification Sherloc (09022015). Collection method: clinical testing. Allele origin: germline.
Comment: In summary, the available evidence is currently insufficient to determine the role of this variant in disease. Therefore, it has been classified as a Variant of Uncertain Significance. Algorithms developed to predict the effect of missense changes on protein structure and function output the following: SIFT: "Tolerated"; PolyPhen-2: "Benign"; Align-GVGD: "Class C0". The valine amino acid residue is found in multiple mammalian species, which suggests that this missense change does not adversely affect protein function. ClinVar contains an entry for this variant (Variation ID: 1367950). This variant has not been reported in the literature in individuals affected with CACNA1F-related conditions. This variant is not present in population databases (gnomAD no frequency). This sequence change replaces isoleucine, which is neutral and non-polar, with valine, which is neutral and non-polar, at codon 1235 of the CACNA1F protein (p.Ile1235Val).

NM_001256789.3(CACNA1F):c.3670A>G (p.Ile1224Val)

Gene: CACNA1F (calcium voltage-gated channel subunit alpha1 F; minus strand). Cytogenetic location: Xp11.23.
Variant type: single nucleotide variant.
Coding change: c.3670A>G on transcript NM_001256789.3 (MANE Select); coding-DNA position 3670, A replaced by G.
Protein change: p.Ile1224Val; replaces isoleucine 1224 with valine.
Molecular consequence: missense variant.
Genome position (GRCh38, 1-based): chrX:49,214,197, T>C on the plus strand (A>G on the coding strand, the complement: CACNA1F is on the minus strand). VCF-style: chrX-49214197-T-C. GRCh37 (hg19) VCF-style: chrX-49070657-T-C.
Other names: c.3508A>G, p.Ile1170Val (NM_001256790.3); c.3703A>G, p.Ile1235Val (NM_005183.4); short protein forms I1235V, I1170V, I1224V.
Identifiers: ClinVar variation 1367950 (VCV001367950.8), dbSNP rs986331355, ClinGen allele CA329139336.